The following is an entry in ClinVar:

ClinVar aggregate classification (germline): Conflicting classifications of pathogenicity. Review status: criteria provided, conflicting classifications (1 of 4 stars). 4 submissions from 4 submitters: Uncertain significance (1); Likely benign (2). 1 of the submissions does not count toward it. Last evaluated 2025-03-03.

Conditions:
Hereditary cancer-predisposing syndrome. Also called: Neoplastic Syndromes, Hereditary; Tumor predisposition; Hereditary neoplastic syndrome; Hereditary Cancer Syndrome. Identifiers: Orphanet 140162, MedGen C0027672, MeSH D009386, MONDO:0015356.
Hereditary breast ovarian cancer syndrome. Also called: Hereditary breast and ovarian cancer syndrome; Hereditary breast and ovarian cancer; Hereditary breast and ovarian cancer syndrome (HBOC); Breast and ovarian cancer; Hereditary breast and/or ovarian cancer syndrome; BRCA1- and BRCA2-Associated Hereditary Breast and Ovarian Cancer. Identifiers: Orphanet 145, MedGen C0677776, MeSH D061325, MONDO:0003582. Disease mechanism: loss of function.
Breast-ovarian cancer, familial, susceptibility to, 2 (BROVCA2). Also called: BRCA2 Hereditary Breast and Ovarian Cancer. Identifiers: Orphanet 145, MedGen C2675520, MONDO:0012933, OMIM 612555. Disease mechanism: loss of function.

Allele frequency attached by ClinVar (database versions not stated): gnomAD 0.00003.
gnomAD v4.1: 2 of 1,463,490 alleles (0.00014%); highest among the groups gnomAD compares: Admixed American, 0.0017%; no homozygotes.

Submissions (4):

Labcorp Genetics (formerly Invitae), Labcorp
Classification: Likely benign for Hereditary breast ovarian cancer syndrome. Last evaluated: 2025-03-03. Review status: criteria provided, single submitter. Criteria: Invitae Variant Classification Sherloc (09022015). Collection method: clinical testing. Allele origin: germline.

Women's Health and Genetics/Laboratory Corporation of America, LabCorp
Classification: Uncertain significance. Last evaluated: 2022-01-25. Review status: criteria provided, single submitter. Criteria: LabCorp Variant Classification Summary - May 2015. Collection method: clinical testing. Allele origin: germline.
Comment: Variant summary: BRCA2 c.6842-14A>G alters a conserved nucleotide located close to a canonical splice site and therefore could affect mRNA splicing, leading to a significantly altered protein sequence. 3/3 computational tools predict no significant impact on normal splicing. However, a recent publication reported experimental evidence, demonstrating in a mini-gene assay that this variant resulted in an in-frame skipping of exon 12, in ~75% of the transcripts (Meulemans_2020). On the other hand, the same study also revealed that in-frame skipping of exon 12 leads to the deletion of a potentially dispensable 32-amino acid sequence, as E12-deleted BRCA2 protein led to a partially functional protein that was able to complement the loss of endogenous wild-type Brca2 in a mouse embryonic stem cell (mESC)-based functional assay (Meulemans_2020). The variant allele was found at a frequency of 7.4e-06 in 271952 control chromosomes (gnomAD). To our knowledge, no occurrence of c.6842-14A>G in individuals affected with Hereditary Breast and Ovarian Cancer Syndrome has been reported. Co-occurrences with other pathogenic variants have been reported (PALB2 c.2218C>T (p.Q740X) and BRCA2 c.3076_3077delAA (p.Lys1026GlufsX9) in two internal LCA samples), providing supporting evidence for a benign role. Another clinical diagnostic laboratory has submitted clinical-significance assessments for this variant to ClinVar after 2014 without evidence for independent evaluation, and classified the variant as likely benign. Based on the evidence outlined above, the variant was classified as uncertain significance.

Color Diagnostics, LLC DBA Color Health
Classification: Likely benign for Hereditary cancer-predisposing syndrome. Last evaluated: 2018-09-11. Review status: criteria provided, single submitter. Criteria: ACMG Guidelines, 2015. Collection method: clinical testing. Allele origin: germline.

Breast Cancer Information Core (BIC) (BRCA2)
Classification: Uncertain significance for Breast-ovarian cancer, familial 2. Last evaluated: 2004-02-20. Review status: no assertion criteria provided. Collection method: clinical testing. Allele origin: germline. Affected: yes. Observed: 1 variant allele. Not counted in ClinVar's aggregate classification.

Literature cited by the submitters: PubMed 32046981 (cited by Women's Health and Genetics/Laboratory Corporation of America, LabCorp); PubMed 32467295 (cited by Women's Health and Genetics/Laboratory Corporation of America, LabCorp).

NM_000059.4(BRCA2):c.6842-14A>G

Gene: BRCA2 (BRCA2 DNA repair associated; plus strand). Cytogenetic location: 13q13.1.
Variant type: single nucleotide variant.
Coding change: c.6842-14A>G on transcript NM_000059.4 (MANE Select); 14 bases into the intron before coding-DNA position 6842, A replaced by G.
Molecular consequence: intron variant.
Genome position (GRCh38, 1-based): chr13:32,344,544, A>G. VCF-style: chr13-32344544-A-G. GRCh37 (hg19) VCF-style: chr13-32918681-A-G.
Other names: IVS11-14A>G.
Identifiers: ClinVar variation 52209 (VCV000052209.15), dbSNP rs81002821, ClinGen allele CA024500.